The following is an entry in ClinVar:

NM_001276345.2(TNNT2):c.226A>C (p.Lys76Gln)

Gene: TNNT2 (troponin T2, cardiac type; minus strand). Cytogenetic location: 1q32.1.
Variant type: single nucleotide variant.
Coding change: c.226A>C on transcript NM_001276345.2 (MANE Select); coding-DNA position 226, A replaced by C.
Protein change: p.Lys76Gln; replaces lysine 76 with glutamine.
Molecular consequence: missense variant.
Genome position (GRCh38, 1-based): chr1:201,366,845, T>G on the plus strand (A>C on the coding strand, the complement: TNNT2 is on the minus strand). VCF-style: chr1-201366845-T-G. GRCh37 (hg19) VCF-style: chr1-201335973-T-G.
Other names: c.226A>C, p.Lys76Gln (NM_000364.4); c.196A>C, p.Lys66Gln (NM_001001430.3, NM_001001431.3, NM_001276347.2); c.181A>C, p.Lys61Gln (NM_001001432.3); c.223A>C, p.Lys75Gln (NM_001276346.2); short protein forms K75Q, K61Q, K66Q, K76Q.
Identifiers: ClinVar variation 1443010 (VCV001443010.6), dbSNP rs2102273869, ClinGen allele CA344206767.

ClinVar aggregate classification (germline): Uncertain significance (1 of 4 stars; one submission).

Conditions:
Dilated cardiomyopathy 1D. Identifiers: Orphanet 154, Orphanet 54260, MedGen C1832243, MONDO:0011095, OMIM 601494.
Hypertrophic cardiomyopathy 2. Also called: TNNT2-Related Familial Hypertrophic Cardiomyopathy. Identifiers: MedGen C1861864, MONDO:0007266, OMIM 115195.
Cardiomyopathy, familial restrictive, 3. Identifiers: Orphanet 75249, MedGen C2676271, MONDO:0012900, OMIM 612422.

Submission:

Labcorp Genetics (formerly Invitae), Labcorp
Classification: Uncertain significance for Cardiomyopathy, familial restrictive, 3; Hypertrophic cardiomyopathy 2; Dilated cardiomyopathy 1D. Last evaluated: 2021-04-04. Review status: criteria provided, single submitter. Criteria: Invitae Variant Classification Sherloc (09022015). Collection method: clinical testing. Allele origin: germline.
Comment: This variant is not present in population databases (ExAC no frequency). This sequence change replaces lysine with glutamine at codon 66 of the TNNT2 protein (p.Lys66Gln). The lysine residue is weakly conserved and there is a small physicochemical difference between lysine and glutamine. This variant has been observed in individual(s) with hypertrophic cardiomyopathy (PMID: 18533079). In summary, the available evidence is currently insufficient to determine the role of this variant in disease. Therefore, it has been classified as a Variant of Uncertain Significance. Algorithms developed to predict the effect of missense changes on protein structure and function are either unavailable or do not agree on the potential impact of this missense change (SIFT: "Tolerated"; PolyPhen-2: "Possibly Damaging"; Align-GVGD: "Class C0").

Literature cited by the submitters: PubMed 18533079.